The following is an entry in ClinVar:

ClinVar aggregate classification (germline): Uncertain significance. Review status: criteria provided, multiple submitters, no conflicts (2 of 4 stars). 2 submissions from 2 submitters: Uncertain significance (2). Last evaluated 2025-06-13.

Conditions:
Inborn genetic diseases. Identifiers: MedGen C0950123, MeSH D030342.

Submissions (2):

Labcorp Genetics (formerly Invitae), Labcorp
Classification: Uncertain significance. Last evaluated: 2025-06-13. Review status: criteria provided, single submitter. Criteria: Invitae Variant Classification Sherloc (09022015). Collection method: clinical testing. Allele origin: germline.
Comment: This sequence change replaces arginine, which is basic and polar, with glycine, which is neutral and non-polar, at codon 595 of the COL9A3 protein (p.Arg595Gly). This variant is not present in population databases (gnomAD no frequency). This variant has not been reported in the literature in individuals affected with COL9A3-related conditions. ClinVar contains an entry for this variant (Variation ID: 3268875). Invitae Evidence Modeling of protein sequence and biophysical properties (such as structural, functional, and spatial information, amino acid conservation, physicochemical variation, residue mobility, and thermodynamic stability) indicates that this missense variant is not expected to disrupt COL9A3 protein function with a negative predictive value of 95%. In summary, the available evidence is currently insufficient to determine the role of this variant in disease. Therefore, it has been classified as a Variant of Uncertain Significance.

Ambry Genetics
Classification: Uncertain significance for Inborn genetic diseases. Last evaluated: 2024-03-29. Review status: criteria provided, single submitter. Criteria: Ambry Variant Classification Scheme 2023. Collection method: clinical testing. Allele origin: germline.

NM_001853.4(COL9A3):c.1783A>G (p.Arg595Gly)

Gene: COL9A3 (collagen type IX alpha 3 chain; plus strand). Cytogenetic location: 20q13.33.
Variant type: single nucleotide variant.
Coding change: c.1783A>G on transcript NM_001853.4 (MANE Select); coding-DNA position 1783, A replaced by G.
Protein change: p.Arg595Gly; replaces arginine 595 with glycine.
Molecular consequence: missense variant.
Genome position (GRCh38, 1-based): chr20:62,837,262, A>G. VCF-style: chr20-62837262-A-G. GRCh37 (hg19) VCF-style: chr20-61468614-A-G.
Other names: short protein forms R595G.
Identifiers: ClinVar variation 3268875 (VCV003268875.3).
Genomic context (GRCh38, chr20:62,837,262, plus strand): 5'-GGCGCTCGAGGACCCCCTGGATACCGCGGTCCCACTGGGGAGCTGGGAGACCCCGGGCCC[A>G]GAGGTGAGTGTTTGACCCCATGACACGGTCACCCTGCTGTAAAAATCCCTGAGACTGACT-3'
Protein context (NP_001844.3, residues 585-605): PTGELGDPGP[Arg595Gly]GNQGDRGDKG